The following is an entry in ClinVar:

NM_001369268.1(ACAN):c.1425del (p.Val478fs)

Gene: ACAN (aggrecan; plus strand). Cytogenetic location: 15q26.1.
Variant type: Deletion.
Coding change: c.1425del on transcript NM_001369268.1 (MANE Select); coding-DNA position 1425, one base deleted (A; older notation c.1425delA).
Protein change: p.Val478fs; shifts the reading frame from valine 478.
Molecular consequence: frameshift variant.
Genome position (GRCh38, 1-based): chr15:88,845,878, A deleted. VCF-style (leftmost placement, unchanged base first): chr15-88845877-CA-C. GRCh37 (hg19) VCF-style: chr15-89389108-CA-C.
Other names: c.1425delA (NM_013227.3); c.1425del, p.Val478fs (NM_013227.4, NM_001135.4); short protein forms V478fs.
Identifiers: ClinVar variation 440750 (VCV000440750.6), dbSNP rs1555454630, ClinGen allele CA645509198.

ClinVar aggregate classification (germline): Pathogenic. Review status: criteria provided, single submitter (1 of 4 stars). 2 submissions from 2 submitters: Pathogenic (1). 1 of the submissions does not count toward it. Last evaluated 2023-11-11.

Conditions:
Short stature and advanced bone age, with early-onset osteoarthritis. Identifiers: MedGen C4540542.

Submissions (2):

Labcorp Genetics (formerly Invitae), Labcorp
Classification: Pathogenic. Last evaluated: 2023-11-11. Review status: criteria provided, single submitter. Criteria: Invitae Variant Classification Sherloc (09022015). Collection method: clinical testing. Allele origin: germline.
Comment: This sequence change creates a premature translational stop signal (p.Val478Serfs*14) in the ACAN gene. It is expected to result in an absent or disrupted protein product. Loss-of-function variants in ACAN are known to be pathogenic (PMID: 16080123, 24762113). This variant is not present in population databases (gnomAD no frequency). This premature translational stop signal has been observed in individual(s) with autosomal dominant short stature (PMID: 27870580, 36714562). It has also been observed to segregate with disease in related individuals. ClinVar contains an entry for this variant (Variation ID: 440750). For these reasons, this variant has been classified as Pathogenic.

OMIM
Classification: Pathogenic for SHORT STATURE AND ADVANCED BONE AGE, WITH EARLY-ONSET OSTEOARTHRITIS. Last evaluated: 2017-09-28. Review status: no assertion criteria provided. Collection method: literature only. Allele origin: germline. Not counted in ClinVar's aggregate classification.

Literature cited by the submitters: PubMed 16080123 (cited by Labcorp Genetics (formerly Invitae), Labcorp); PubMed 24762113 (cited by Labcorp Genetics (formerly Invitae), Labcorp); PubMed 27870580 (cited by Labcorp Genetics (formerly Invitae), Labcorp and OMIM); PubMed 36714562 (cited by Labcorp Genetics (formerly Invitae), Labcorp).